The following is an entry in ClinVar:

NM_001367873.1(SOX6):c.2026del (p.Arg676fs)

Gene: SOX6 (SRY-box transcription factor 6; minus strand). Cytogenetic location: 11p15.2.
Variant type: Deletion.
Coding change: c.2026del on transcript NM_001367873.1 (MANE Select); coding-DNA position 2026, one base deleted (C; older notation c.2026delC).
Protein change: p.Arg676fs; shifts the reading frame from arginine 676.
Molecular consequence: frameshift variant.
Genome position (GRCh38, 1-based): chr11:15,986,361, G deleted on the plus strand (C on the coding strand, the reverse complement: SOX6 is on the minus strand); the first of 3 consecutive G bases (chr11:15,986,361-15,986,363); deleting any one gives the same sequence. VCF-style (leftmost placement, unchanged base first): chr11-15986360-CG-C. GRCh37 (hg19) VCF-style: chr11-16007906-CG-C.
Other names: c.1945del, p.Arg649fs (NM_001145811.2, NM_017508.3); c.2026del, p.Arg676fs (NM_001145819.2); c.1903del, p.Arg635fs (NM_001367872.1); c.1966del, p.Arg656fs (NM_033326.3); short protein forms R635fs, R649fs, R656fs, R676fs.
Identifiers: ClinVar variation 2627902 (VCV002627902.1), dbSNP rs2493971978, ClinGen allele CA2586963986.

ClinVar aggregate classification (germline): Pathogenic (1 of 4 stars; one submission).

Conditions:
Tolchin-Le Caignec syndrome. Also called: INTELLECTUAL DEVELOPMENTAL DISORDER WITH BEHAVIORAL ABNORMALITIES AND VARIABLE BONE DEFECTS. Identifiers: MedGen C5436509, MONDO:0033544, OMIM 618971.

Submission:

Illumina Laboratory Services, Illumina
Classification: Pathogenic for Tolchin-Le Caignec syndrome. Last evaluated: 2023-05-24. Review status: criteria provided, single submitter. Criteria: ICSLVariantClassificationCriteria RUGD 01 April 2020. Collection method: clinical testing. Allele origin: unknown.
Comment: The SOX6 c.1966del p.(Arg656GlyfsTer2) variant, which is also known as c.2026del p.(Arg676GlyfsTer2), causes a shift in the protein reading frame that is predicted to result in premature termination of the protein. Loss of normal protein function through either protein truncation or nonsense-mediated mRNA decay is expected. To our knowledge, this variant has not been reported in the peer-reviewed literature. This variant is not observed in version 2.1.1 or version 3.1.2 of the Genome Aggregation Database. This variant was identified in a de novo state. Based on the collective evidence, the c.1966del p.(Arg656GlyfsTer2) variant is classified as pathogenic for Tolchin-Le Caignec syndrome.